The following is an entry in ClinVar:

ClinVar aggregate classification (germline): Uncertain significance (1 of 4 stars; one submission).

Conditions:
Cohen syndrome (COH1). Also called: PEPPER SYNDROME; Cutis verticis gyrata, retinitis pigmentosa, and sensorineural deafness. Identifiers: Orphanet 193, MedGen C0265223, MONDO:0008999, OMIM 216550.

Allele frequency attached by ClinVar (database versions not stated): TOPMed 0.00001.
gnomAD v4.1: 1 of 1,613,760 alleles (0.000062%); highest among the groups gnomAD compares: Non-Finnish European, 0.000085%; no homozygotes.

Submission:

Labcorp Genetics (formerly Invitae), Labcorp
Classification: Uncertain significance for Cohen syndrome. Last evaluated: 2022-06-10. Review status: criteria provided, single submitter. Criteria: Invitae Variant Classification Sherloc (09022015). Collection method: clinical testing. Allele origin: germline.
Comment: This sequence change replaces glycine, which is neutral and non-polar, with glutamic acid, which is acidic and polar, at codon 1756 of the VPS13B protein (p.Gly1756Glu). This variant is not present in population databases (gnomAD no frequency). This variant has not been reported in the literature in individuals affected with VPS13B-related conditions. Algorithms developed to predict the effect of missense changes on protein structure and function are either unavailable or do not agree on the potential impact of this missense change (SIFT: "Not Available"; PolyPhen-2: "Probably Damaging"; Align-GVGD: "Not Available"). In summary, the available evidence is currently insufficient to determine the role of this variant in disease. Therefore, it has been classified as a Variant of Uncertain Significance.

NM_152564.5(VPS13B):c.5192G>A (p.Gly1731Glu)

Gene: VPS13B (vacuolar protein sorting 13 homolog B; plus strand). Cytogenetic location: 8q22.2.
Variant type: single nucleotide variant.
Coding change: c.5192G>A on transcript NM_152564.5 (MANE Select); coding-DNA position 5192, G replaced by A.
Protein change: p.Gly1731Glu; replaces glycine 1731 with glutamic acid.
Molecular consequence: missense variant.
Genome position (GRCh38, 1-based): chr8:99,577,605, G>A. VCF-style: chr8-99577605-G-A. GRCh37 (hg19) VCF-style: chr8-100589833-G-A.
Other names: c.5267G>A, p.Gly1756Glu (NM_017890.5); short protein forms G1731E, G1756E.
Identifiers: ClinVar variation 2149286 (VCV002149286.1), dbSNP rs1393333400, ClinGen allele CA371875464.
Genomic context (GRCh38, chr8:99,577,605, plus strand): 5'-TCTTCCTAAGTGTGGCTCAAGTTCAACTCTTACATCAGTTAATAGTAGCAAATATGACTG[G>A]ACTGGAACCATCAAACAAGGCTGCAGAGGTAACTGTTACCTGATTTTGATCAGGCTTACT-3'
Protein context (NP_689777.3, residues 1721-1741): LHQLIVANMT[Gly1731Glu]LEPSNKAAEI